The following is an entry in ClinVar:

NM_001148.6(ANK2):c.10707C>A (p.Ile3569=)

Gene: ANK2 (ankyrin 2; plus strand). Cytogenetic location: 4q26.
Variant type: single nucleotide variant.
Coding change: c.10707C>A on transcript NM_001148.6 (MANE Select); coding-DNA position 10707, C replaced by A.
Protein change: p.Ile3569=; no amino-acid change (isoleucine 3569 retained).
Molecular consequence: synonymous variant.
Genome position (GRCh38, 1-based): chr4:113,360,848, C>A. VCF-style: chr4-113360848-C-A. GRCh37 (hg19) VCF-style: chr4-114282004-C-A.
Other names: c.4425C>A, p.Ile1475= (NM_001127493.3); c.4464C>A, p.Ile1488= (NM_001354225.2); c.4353C>A, p.Ile1451= (NM_001354228.2, NM_001354258.2); c.4431C>A, p.Ile1477= (NM_001354230.2); c.4494C>A, p.Ile1498= (NM_001354231.2, NM_001354242.2); c.4488C>A, p.Ile1496= (NM_001354232.2); c.4449C>A, p.Ile1483= (NM_001354235.2, NM_001354246.2, NM_001354265.2); c.4350C>A, p.Ile1450= (NM_001354236.2); and 35 more.
Identifiers: ClinVar variation 379037 (VCV000379037.8), dbSNP rs539298479, ClinGen allele CA16604676.
Genomic context (GRCh38, chr4:113,360,848, plus strand): 5'-CAACCTTTGGCCATTCTGTTTTTGACCTTCTCCAGATCCACAGGATGAGCAGGAACGGAT[C>A]GAGGAAAGGCTGGCTTATATTGCTGATCACCTTGGCTTCAGCTGGACAGGTAAAAAGAAT-3'
Protein context (NP_001139.3, residues 3559-3579): AEDPQDEQER[Ile3569=]EERLAYIADH

ClinVar aggregate classification (germline): Likely benign. Review status: criteria provided, multiple submitters, no conflicts (2 of 4 stars). 2 submissions from 2 submitters: Likely benign (2). Last evaluated 2023-02-22.

Conditions:
Long QT syndrome (LQTS). Identifiers: MedGen C0023976, MeSH D008133, MONDO:0002442. Disease mechanism: loss of function. Inheritance: Various modes of inheritance.

Allele frequency attached by ClinVar (database versions not stated): TOPMed 0.00001.
gnomAD v4.1: 8 of 1,612,572 alleles (0.0005%); highest among the groups gnomAD compares: Admixed American, 0.0067%; no homozygotes.

Submissions (2):

Labcorp Genetics (formerly Invitae), Labcorp
Classification: Likely benign for Long QT syndrome. Last evaluated: 2023-02-22. Review status: criteria provided, single submitter. Criteria: Invitae Variant Classification Sherloc (09022015). Collection method: clinical testing. Allele origin: germline.

GeneDx
Classification: Likely benign. Last evaluated: 2016-04-15. Review status: criteria provided, single submitter. Criteria: GeneDx Variant Classification (06012015). Collection method: clinical testing. Allele origin: germline. Affected: yes.
Comment: This variant is considered likely benign or benign based on one or more of the following criteria: it is a conservative change, it occurs at a poorly conserved position in the protein, it is predicted to be benign by multiple in silico algorithms, and/or has population frequency not consistent with disease.